The following is an entry in ClinVar:

NM_006393.3(NEBL):c.1928del (p.Lys643fs)

Gene: NEBL (nebulette; minus strand). Cytogenetic location: 10p12.31.
Variant type: Deletion.
Coding change: c.1928del on transcript NM_006393.3 (MANE Select); coding-DNA position 1928, one base deleted (A; older notation c.1928delA).
Protein change: p.Lys643fs; shifts the reading frame from lysine 643.
Molecular consequence: frameshift variant. On other transcripts: intron variant (9).
Genome position (GRCh38, 1-based): chr10:20,823,242, T deleted on the plus strand (A on the coding strand, the reverse complement: NEBL is on the minus strand); the first of 3 consecutive T bases (chr10:20,823,242-20,823,244); deleting any one gives the same sequence. VCF-style (leftmost placement, unchanged base first): chr10-20823241-CT-C. GRCh37 (hg19) VCF-style: chr10-21112170-CT-C.
Other names: c.250-10302del (NM_001377326.1, NM_001377327.1, NM_001377328.1); c.358-10302del (NM_213569.2, NM_001173484.2, NM_001377322.1); c.301-10302del (NM_001377324.1); c.292-10302del (NM_001377325.1); c.310-10302del (NM_001377323.1); c.1928delA (NM_006393.2); short protein forms K643fs.
Identifiers: ClinVar variation 524926 (VCV000524926.3), dbSNP rs754334553, ClinGen allele CA658797406.
Genomic context (GRCh38, chr10:20,823,241, plus strand): 5'-TAAAAAATACTTAAGAAATATGATCACATTGCTGATGTTCTTCTGGTTTTCTTTAACTCT[CT>C]TTAGTTCTGGAGGATCAGAAATGGCTGTTGCATGTTTAATCTCTTCTTTGTATTTCACCT-3'

ClinVar aggregate classification (germline): Uncertain significance (1 of 4 stars; one submission).

Conditions:
Primary dilated cardiomyopathy (DCM). Also called: Dilated Cardiomyopathy. Identifiers: Orphanet 217604, MedGen C0007193, MeSH D002311, MONDO:0005021, HP:0001644. Inheritance: Various modes of inheritance.

Submission:

Labcorp Genetics (formerly Invitae), Labcorp
Classification: Uncertain significance for Primary dilated cardiomyopathy. Last evaluated: 2017-08-28. Review status: criteria provided, single submitter. Criteria: Invitae Variant Classification Sherloc (09022015). Collection method: clinical testing. Allele origin: germline.
Comment: This sequence change creates a premature translational stop signal (p.Lys643Argfs*25) in the NEBL gene. It is expected to result in an absent or disrupted protein product. This variant is not present in population databases (ExAC no frequency). This variant has not been reported in the literature in individuals with NEBL-related disease. The current clinical and genetic evidence is not sufficient to establish whether loss-of-function variants in NEBL cause disease. In summary, the available evidence is currently insufficient to determine the role of this variant in disease. Therefore, it has been classified as a Variant of Uncertain Significance.